The following is an entry in ClinVar:

NM_001375808.2(LPIN2):c.446C>T (p.Pro149Leu)

Gene: LPIN2 (lipin 2; minus strand). Cytogenetic location: 18p11.31.
Variant type: single nucleotide variant.
Coding change: c.446C>T on transcript NM_001375808.2 (MANE Select); coding-DNA position 446, C replaced by T.
Protein change: p.Pro149Leu; replaces proline 149 with leucine.
Molecular consequence: missense variant.
Genome position (GRCh38, 1-based): chr18:2,951,199, G>A on the plus strand (C>T on the coding strand, the complement: LPIN2 is on the minus strand). VCF-style: chr18-2951199-G-A. GRCh37 (hg19) VCF-style: chr18-2951197-G-A.
Other names: c.446C>T, p.Pro149Leu (NM_001375809.1, NM_014646.2); short protein forms P149L.
Identifiers: ClinVar variation 378091 (VCV000378091.58), dbSNP rs147615538, ClinGen allele CA8873555.

ClinVar aggregate classification (germline): Conflicting classifications of pathogenicity. Review status: criteria provided, conflicting classifications (1 of 4 stars). 9 submissions from 9 submitters: Uncertain significance (4); Likely benign (5). Last evaluated 2026-02-13.

Conditions:
LPIN2-related disorder. Also called: LPIN2-related condition.
Autoinflammatory syndrome. Identifiers: Orphanet 93665, MedGen C3890737, MONDO:0019751.
Majeed syndrome (MJDS). Also called: LPIN2-Related Majeed Syndrome; CHRONIC RECURRENT MULTIFOCAL OSTEOMYELITIS 1, WITH CONGENITAL DYSERYTHROPOIETIC ANEMIA, WITH OR WITHOUT NEUTROPHILIC DERMATOSIS. Identifiers: Orphanet 77297, MedGen C1864997, MONDO:0012316, OMIM 609628.

Allele frequency attached by ClinVar (database versions not stated): gnomAD 0.00038 and 0.00037; TOPMed 0.00045; gnomAD exomes 0.00046 and 0.00048; ExAC 0.00050; ESP Exome Variant Server 0.00054; 1000 Genomes Project 30x 0.00016; 1000 Genomes Project 0.00020.
gnomAD v4.1: 735 of 1,614,062 alleles (0.046%); highest among the groups gnomAD compares: Non-Finnish European, 0.052%; 1 homozygote.

Submissions (9):

PreventionGenetics, part of Exact Sciences
Classification: Uncertain significance for LPIN2-related condition. Last evaluated: 2026-02-13. Review status: criteria provided, single submitter. Criteria: ACMG Guidelines, 2015. Collection method: clinical testing. Allele origin: germline.
Comment: The LPIN2 c.446C>T variant is predicted to result in the amino acid substitution p.Pro149Leu. To our knowledge, this variant has not been reported in the literature. This variant is reported in 0.27% of alleles in individuals of Ashkenazi Jewish descent in gnomAD, including one homozygous individual, which may be too common to be causative. Although we suspect that this variant may be benign, at this time, the clinical significance of this variant is uncertain due to the absence of conclusive functional and genetic evidence.

Labcorp Genetics (formerly Invitae), Labcorp
Classification: Likely benign for Majeed syndrome. Last evaluated: 2025-11-28. Review status: criteria provided, single submitter. Criteria: Invitae Variant Classification Sherloc (09022015). Collection method: clinical testing. Allele origin: germline.

Women's Health and Genetics/Laboratory Corporation of America, LabCorp
Classification: Likely benign. Last evaluated: 2025-07-09. Review status: criteria provided, single submitter. Criteria: LabCorp Variant Classification Summary - May 2015. Collection method: clinical testing. Allele origin: germline.
Comment: Variant summary: LPIN2 c.446C>T (p.Pro149Leu) results in a non-conservative amino acid change in the encoded protein sequence. Algorithms developed to predict the effect of missense changes on protein structure and function are either unavailable or do not agree on the potential impact of this missense change. The variant allele was found at a frequency of 0.00048 in 251210 control chromosomes, predominantly at a frequency of 0.0007 within the Ashkenazi Jewish (ASJ) and Non-Finnish European subpopulation in the gnomAD database, including 1 homozygote. The frequency within the ASJ subpopulation (0.0027) is significantly higher than the maximum estimated for a pathogenic variant in LPIN2 causing Majeed syndrome (0.0011). To our knowledge, no occurrence of c.446C>T in individuals affected with Majeed syndrome and no experimental evidence demonstrating its impact on protein function have been reported. ClinVar contains an entry for this variant (Variation ID: 378091). Based on the evidence outlined above, the variant was classified as likely benign.

Blueprint Genetics
Classification: Likely benign. Last evaluated: 2024-10-24. Review status: criteria provided, single submitter. Criteria: ACMG Guidelines, 2015. Collection method: clinical testing. Allele origin: germline.

CeGaT Center for Human Genetics Tuebingen
Classification: Likely benign. Last evaluated: 2023-05-01. Review status: criteria provided, single submitter. Criteria: CeGaT Center For Human Genetics Tuebingen Variant Classification Criteria Version 2. Collection method: clinical testing. Allele origin: germline. Affected: yes. Observed: 1 variant allele.
Comment: LPIN2: BP4, BS1

ARUP Laboratories, Molecular Genetics and Genomics, ARUP Laboratories
Classification: Uncertain significance for Majeed syndrome. Last evaluated: 2020-02-03. Review status: criteria provided, single submitter. Criteria: ARUP Molecular Germline Variant Investigation Process. Collection method: clinical testing. Allele origin: germline.
Comment: The LPIN2 c.446C>T; p.Pro140Leu variant (rs147615538) in an individual with myolysis (Michot 2012), but to our knowledge has not been described in an individual with Majeed syndrome. This variant is reported in ClinVar (Variation ID: 378091) and. is found in the general population with an overall allele frequency of 0.05% (130/282556 alleles including 1 homozygote) in the Genome Aggregation Database. The proline at this position is weakly conserved and computational algorithms (PolyPhen-2, SIFT) predict this variant is tolerated. In support of this prediction, studies in yeast indicate this variant protein is able to function as wild type (Michot 2012). Although there are indications this variant may be benign, the clinical significance of this variant remains uncertain at this time. References: Michot C et al. Study of LPIN1, LPIN2 and LPIN3 in rhabdomyolysis and exercise-induced myalgia. J Inherit Metab Dis. 2012 Nov;35(6):1119-28.

GeneDx
Classification: Likely benign. Last evaluated: 2019-11-29. Review status: criteria provided, single submitter. Criteria: GeneDx Variant Classification Process June 2021. Collection method: clinical testing. Allele origin: germline. Affected: yes.
Comment: This variant is associated with the following publications: (PMID: 22481384)

Genome Diagnostics Laboratory, The Hospital for Sick Children
Classification: Uncertain significance for Autoinflammatory syndrome. Last evaluated: 2018-02-01. Review status: criteria provided, single submitter. Criteria: ACMG Guidelines, 2015. Collection method: clinical testing. Allele origin: germline. Affected: yes.

Illumina Laboratory Services, Illumina
Classification: Uncertain significance for Majeed syndrome. Last evaluated: 2018-01-12. Review status: criteria provided, single submitter. Criteria: ICSL Variant Classification Criteria 13 December 2019. Collection method: clinical testing. Allele origin: germline.